The following is an entry in ClinVar:

NM_024795.4(TM4SF20):c.589C>T (p.Leu197Phe)

Gene: TM4SF20 (transmembrane 4 L six family member 20; minus strand). Cytogenetic location: 2q36.3.
Variant type: single nucleotide variant.
Coding change: c.589C>T on transcript NM_024795.4 (MANE Select); coding-DNA position 589, C replaced by T.
Protein change: p.Leu197Phe; replaces leucine 197 with phenylalanine.
Molecular consequence: missense variant.
Genome position (GRCh38, 1-based): chr2:227,363,825, G>A on the plus strand (C>T on the coding strand, the complement: TM4SF20 is on the minus strand). VCF-style: chr2-227363825-G-A. GRCh37 (hg19) VCF-style: chr2-228228541-G-A.
Other names: short protein forms L197F.
Identifiers: ClinVar variation 2633028 (VCV002633028.1), dbSNP rs2470192869, ClinGen allele CA350860565.
Genomic context (GRCh38, chr2:227,363,825, plus strand): 5'-AGCCAAGGAAACCGATGACTATCTGACTGAGCCCAAACAGGACCTCCAGAATTCCAACAA[G>A]CAATAGACCTAAAAATACTGAGAAGTGGATAAGCCTATGTTTGTTTTCTTCAGAATCGAA-3'
Protein context (NP_079071.2, residues 187-207): IHFSVFLGLL[Leu197Phe]VGILEVLFGL

ClinVar aggregate classification (germline): Uncertain significance (1 of 4 stars; one submission).

Conditions:
TM4SF20-related disorder. Also called: TM4SF20-related condition.

Submission:

PreventionGenetics, part of Exact Sciences
Classification: Uncertain significance for TM4SF20-related condition. Last evaluated: 2023-05-26. Review status: criteria provided, single submitter. Criteria: ACMG Guidelines, 2015. Collection method: clinical testing. Allele origin: germline.
Comment: The TM4SF20 c.589C>T variant is predicted to result in the amino acid substitution p.Leu197Phe. To our knowledge, this variant has not been reported in the literature or in a large population database, indicating this variant is rare. At this time, the clinical significance of this variant is uncertain due to the absence of conclusive functional and genetic evidence.